The following is an entry in ClinVar:

ClinVar aggregate classification (germline): Uncertain significance (1 of 4 stars; one submission).

Conditions:
Inborn genetic diseases. Identifiers: MedGen C0950123, MeSH D030342.

Submission:

Ambry Genetics
Classification: Uncertain significance for Inborn genetic diseases. Last evaluated: 2026-08-15. Review status: criteria provided, single submitter. Criteria: Ambry Variant Classification Scheme 2023. Collection method: clinical testing. Allele origin: germline.
Comment: The p.L1152H variant (also known as c.3455T>A), located in coding exon 1 of the SAMD9L gene, results from a T to A substitution at nucleotide position 3455. The leucine at codon 1152 is replaced by histidine, an amino acid with similar properties. This amino acid position is conserved. In addition, this alteration is predicted to be tolerated by in silico analysis. Based on the available evidence, the clinical significance of this variant remains unclear.

NM_152703.5(SAMD9L):c.3455T>A (p.Leu1152His)

Gene: SAMD9L (sterile alpha motif domain containing 9 like; minus strand). Cytogenetic location: 7q21.2.
Variant type: single nucleotide variant.
Coding change: c.3455T>A on transcript NM_152703.5 (MANE Select); coding-DNA position 3455, T replaced by A.
Protein change: p.Leu1152His; replaces leucine 1152 with histidine.
Molecular consequence: missense variant.
Genome position (GRCh38, 1-based): chr7:93,132,517, A>T on the plus strand (T>A on the coding strand, the complement: SAMD9L is on the minus strand). VCF-style: chr7-93132517-A-T. GRCh37 (hg19) VCF-style: chr7-92761830-A-T.
Other names: c.3455T>A, p.Leu1152His (NM_001303496.3, NM_001303497.3, NM_001303498.3 and 5 more transcripts); short protein forms L1152H.
Identifiers: ClinVar variation 5028954 (VCV005028954.1).